The following is an entry in ClinVar:

NM_001042545.2(LTBP4):c.4663C>T (p.Pro1555Ser)

Gene: LTBP4 (latent transforming growth factor beta binding protein 4; plus strand). Cytogenetic location: 19q13.2.
Variant type: single nucleotide variant.
Coding change: c.4663C>T on transcript NM_001042545.2 (MANE Select); coding-DNA position 4663, C replaced by T.
Protein change: p.Pro1555Ser; replaces proline 1555 with serine.
Molecular consequence: missense variant.
Genome position (GRCh38, 1-based): chr19:40,629,539, C>T. VCF-style: chr19-40629539-C-T. GRCh37 (hg19) VCF-style: chr19-41135444-C-T.
Other names: c.4864C>T, p.Pro1622Ser (NM_001042544.1); c.4753C>T, p.Pro1585Ser (NM_003573.2); short protein forms P1555S, P1585S, P1622S.
Identifiers: ClinVar variation 2130462 (VCV002130462.1), dbSNP rs1209213294, ClinGen allele CA405913391.

ClinVar aggregate classification (germline): Uncertain significance (1 of 4 stars; one submission).

Allele frequency attached by ClinVar (database versions not stated): gnomAD 0.00001.

Submission:

Labcorp Genetics (formerly Invitae), Labcorp
Classification: Uncertain significance. Last evaluated: 2022-04-25. Review status: criteria provided, single submitter. Criteria: Invitae Variant Classification Sherloc (09022015). Collection method: clinical testing. Allele origin: germline.
Comment: This sequence change replaces proline, which is neutral and non-polar, with serine, which is neutral and polar, at codon 1585 of the LTBP4 protein (p.Pro1585Ser). This variant is present in population databases (no rsID available, gnomAD 0.009%). This variant has not been reported in the literature in individuals affected with LTBP4-related conditions. Experimental studies and prediction algorithms are not available or were not evaluated, and the functional significance of this variant is currently unknown. In summary, the available evidence is currently insufficient to determine the role of this variant in disease. Therefore, it has been classified as a Variant of Uncertain Significance.